The following is an entry in ClinVar:

NM_002890.3(RASA1):c.587G>A (p.Arg196Lys)

Genes: CCNH (cyclin H; minus strand), RASA1 (RAS p21 protein activator 1; plus strand). Cytogenetic location: 5q14.3.
Variant type: single nucleotide variant.
Coding change: c.587G>A on transcript NM_002890.3 (MANE Select); coding-DNA position 587, G replaced by A.
Protein change: p.Arg196Lys; replaces arginine 196 with lysine.
Molecular consequence: missense variant. On other transcripts: intron variant (1).
Genome position (GRCh38, 1-based): chr5:87,331,395, G>A. VCF-style: chr5-87331395-G-A. GRCh37 (hg19) VCF-style: chr5-86627212-G-A.
Other names: c.56G>A, p.Arg19Lys (NM_022650.3); c.934-18600C>T (NM_001364075.2); short protein forms R196K, R19K.
Identifiers: ClinVar variation 2162962 (VCV002162962.4), dbSNP rs766738510, ClinGen allele CA3335522.

ClinVar aggregate classification (germline): Uncertain significance. Review status: criteria provided, multiple submitters, no conflicts (2 of 4 stars). 2 submissions from 2 submitters: Uncertain significance (2). Last evaluated 2024-01-22.

Conditions:
Capillary malformation-arteriovenous malformation syndrome. Also called: Capillary malformation-arteriovenous malformation. Identifiers: Orphanet 137667, MedGen C1842180, MONDO:0012016.
Cardiovascular phenotype. Identifiers: MedGen CN230736.

Allele frequency attached by ClinVar (database versions not stated): ExAC 0.00001; TOPMed 0.00002; gnomAD 0.00001.
gnomAD v4.1: 9 of 1,612,958 alleles (0.00056%); highest among the groups gnomAD compares: African/African-American, 0.0013%; no homozygotes.

Submissions (2):

Ambry Genetics
Classification: Uncertain significance for Cardiovascular phenotype. Last evaluated: 2024-01-22. Review status: criteria provided, single submitter. Criteria: Ambry Variant Classification Scheme 2023. Collection method: clinical testing. Allele origin: germline.
Comment: The p.R196K variant (also known as c.587G>A), located in coding exon 2 of the RASA1 gene, results from a G to A substitution at nucleotide position 587. The arginine at codon 196 is replaced by lysine, an amino acid with highly similar properties. This amino acid position is conserved. In addition, this alteration is predicted to be tolerated by in silico analysis. Based on the available evidence, the clinical significance of this alteration remains unclear.

Labcorp Genetics (formerly Invitae), Labcorp
Classification: Uncertain significance for Capillary malformation-arteriovenous malformation syndrome. Last evaluated: 2022-03-18. Review status: criteria provided, single submitter. Criteria: Invitae Variant Classification Sherloc (09022015). Collection method: clinical testing. Allele origin: germline.
Comment: This sequence change replaces arginine, which is basic and polar, with lysine, which is basic and polar, at codon 196 of the RASA1 protein (p.Arg196Lys). This variant is present in population databases (rs766738510, gnomAD 0.002%). This variant has not been reported in the literature in individuals affected with RASA1-related conditions. Algorithms developed to predict the effect of missense changes on protein structure and function (SIFT, PolyPhen-2, Align-GVGD) all suggest that this variant is likely to be tolerated. In summary, the available evidence is currently insufficient to determine the role of this variant in disease. Therefore, it has been classified as a Variant of Uncertain Significance.